The following is an entry in ClinVar:

NM_019594.4(LRRC8A):c.1510G>A (p.Asp504Asn)

Gene: LRRC8A (leucine rich repeat containing 8 VRAC subunit A; plus strand). Cytogenetic location: 9q34.11.
Variant type: single nucleotide variant.
Coding change: c.1510G>A on transcript NM_019594.4 (MANE Select); coding-DNA position 1510, G replaced by A.
Protein change: p.Asp504Asn; replaces aspartic acid 504 with asparagine.
Molecular consequence: missense variant.
Genome position (GRCh38, 1-based): chr9:128,908,674, G>A. VCF-style: chr9-128908674-G-A. GRCh37 (hg19) VCF-style: chr9-131670953-G-A.
Other names: c.1510G>A, p.Asp504Asn (NM_001127244.2, NM_001127245.2); c.1510G>A (NM_001127244.1, NM_019594.3); short protein forms D504N.
Identifiers: ClinVar variation 1436200 (VCV001436200.10), dbSNP rs773255727, ClinGen allele CA5270902.

ClinVar aggregate classification (germline): Uncertain significance. Review status: criteria provided, multiple submitters, no conflicts (2 of 4 stars). 3 submissions from 3 submitters: Uncertain significance (3). Last evaluated 2025-12-17.

Conditions:
LRRC8A-related disorder. Also called: LRRC8A-related condition.

Allele frequency attached by ClinVar (database versions not stated): ExAC 0.00002; gnomAD exomes 0.00002 and 0.00003; TOPMed 0.00003; gnomAD 0.00007.
gnomAD v4.1: 35 of 1,612,766 alleles (0.0022%); highest among the groups gnomAD compares: African/African-American, 0.004%; no homozygotes.

Submissions (3):

Labcorp Genetics (formerly Invitae), Labcorp
Classification: Uncertain significance. Last evaluated: 2025-12-17. Review status: criteria provided, single submitter. Criteria: Invitae Variant Classification Sherloc (09022015). Collection method: clinical testing. Allele origin: germline.
Comment: This sequence change replaces aspartic acid, which is acidic and polar, with asparagine, which is neutral and polar, at codon 504 of the LRRC8A protein (p.Asp504Asn). This variant is present in population databases (rs773255727, gnomAD 0.006%). This variant has not been reported in the literature in individuals affected with LRRC8A-related conditions. ClinVar contains an entry for this variant (Variation ID: 1436200). An algorithm developed to predict the effect of missense changes on protein structure and function (PolyPhen-2) suggests that this variant is likely to be disruptive. In summary, the available evidence is currently insufficient to determine the role of this variant in disease. Therefore, it has been classified as a Variant of Uncertain Significance.

Ambry Genetics
Classification: Uncertain significance. Last evaluated: 2025-01-07. Review status: criteria provided, single submitter. Criteria: Ambry Variant Classification Scheme 2023. Collection method: clinical testing. Allele origin: germline.

PreventionGenetics, part of Exact Sciences
Classification: Uncertain significance for LRRC8A-related condition. Last evaluated: 2024-12-02. Review status: criteria provided, single submitter. Criteria: ACMG Guidelines, 2015. Collection method: clinical testing. Allele origin: germline.
Comment: The LRRC8A c.1510G>A variant is predicted to result in the amino acid substitution p.Asp504Asn. To our knowledge, this variant has not been reported in the literature. This variant is reported in 0.0071% of alleles in individuals of European (non-Finnish) descent in gnomAD. At this time, the clinical significance of this variant is uncertain due to the absence of conclusive functional and genetic evidence.